The following is an entry in ClinVar:

ClinVar aggregate classification (germline): Conflicting classifications of pathogenicity. Review status: criteria provided, conflicting classifications (1 of 4 stars). 8 submissions from 8 submitters: Uncertain significance (6); Likely benign (1). 1 of the submissions does not count toward it. Last evaluated 2026-09-19.

Conditions:
NTRK1-related disorder. Also called: NTRK1-related condition.
Hereditary insensitivity to pain with anhidrosis (CIPA). Also called: INSENSITIVITY TO PAIN, CONGENITAL, WITH ANHIDROSIS; NTRK1 Congenital Insensitivity to Pain with Anhidrosis; hereditary sensory and autonomic neuropathy type 4; HSAN Type IV; FAMILIAL DYSAUTONOMIA, TYPE II; NEUROPATHY, CONGENITAL SENSORY, WITH ANHIDROSIS. Identifiers: Orphanet 642, MedGen C0020074, MONDO:0009746, OMIM 256800.
Inborn genetic diseases. Identifiers: MedGen C0950123, MeSH D030342.

Allele frequency attached by ClinVar (database versions not stated): ExAC 0.00010; TOPMed 0.00011; gnomAD 0.00015 and 0.00016; gnomAD exomes 0.00016; ESP Exome Variant Server 0.00023.
gnomAD v4.1: 468 of 1,554,690 alleles (0.03%); highest among the groups gnomAD compares: Non-Finnish European, 0.037%; no homozygotes.

Submissions (8):

PreventionGenetics, part of Exact Sciences
Classification: Uncertain significance for NTRK1-related condition. Last evaluated: 2026-09-19. Review status: criteria provided, single submitter. Criteria: ACMG Guidelines, 2015. Collection method: clinical testing. Allele origin: germline.
Comment: The NTRK1 c.640C>T variant is predicted to result in the amino acid substitution p.Arg214Trp. To our knowledge, this variant has not been reported in the literature. This variant is reported in 0.037% of alleles in individuals of European (Finnish) descent in gnomAD. At this time, the clinical significance of this variant is uncertain due to the absence of conclusive functional and genetic evidence.

Women's Health and Genetics/Laboratory Corporation of America, LabCorp
Classification: Uncertain significance. Last evaluated: 2026-02-27. Review status: criteria provided, single submitter. Criteria: LabCorp Variant Classification Summary - May 2015. Collection method: clinical testing. Allele origin: germline.
Comment: Variant summary: NTRK1 c.640C>T (p.Arg214Trp) results in a non-conservative amino acid change located in the Immunoglobulin-like domain (IPR007110) of the encoded protein sequence. Algorithms developed to predict the effect of missense changes on protein structure and function are either unavailable or do not agree on the potential impact of this missense change. The variant allele was found at a frequency of 0.0003 in 1547930 control chromosomes (gnomAD). This frequency is not significantly higher than estimated for disease-causing variants in NTRK1, allowing no conclusion about variant significance. To our knowledge, no occurrence of c.640C>T in individuals affected with NTRK1-related conditions and no experimental evidence demonstrating its impact on protein function have been reported. However, sequence comparison with other vertebrate species indicates the variant is located to a moderately conserved region, and the Arg to Trp substitution at this codon is phylogenetically not constrained (e.g. PMID 29358731). ClinVar contains an entry for this variant (Variation ID: 526731). Based on the evidence outlined above, the variant was classified as uncertain significance.

Mayo Clinic Laboratories, Mayo Clinic
Classification: Uncertain significance. Last evaluated: 2023-10-17. Review status: criteria provided, single submitter. Criteria: ACMG Guidelines, 2015. Collection method: clinical testing. Allele origin: germline. Observed: 2 variant alleles.
Comment: BP4, PM2_moderate

Labcorp Genetics (formerly Invitae), Labcorp
Classification: Uncertain significance for Hereditary insensitivity to pain with anhidrosis. Last evaluated: 2022-10-24. Review status: criteria provided, single submitter. Criteria: Invitae Variant Classification Sherloc (09022015). Collection method: clinical testing. Allele origin: germline.
Comment: This sequence change replaces arginine, which is basic and polar, with tryptophan, which is neutral and slightly polar, at codon 214 of the NTRK1 protein (p.Arg214Trp). The frequency data for this variant in the population databases is considered unreliable, as metrics indicate poor data quality at this position in the gnomAD database. This variant has not been reported in the literature in individuals affected with NTRK1-related conditions. ClinVar contains an entry for this variant (Variation ID: 526731). Advanced modeling of protein sequence and biophysical properties (such as structural, functional, and spatial information, amino acid conservation, physicochemical variation, residue mobility, and thermodynamic stability) performed at Invitae indicates that this missense variant is not expected to disrupt NTRK1 protein function. In summary, the available evidence is currently insufficient to determine the role of this variant in disease. Therefore, it has been classified as a Variant of Uncertain Significance.

Ambry Genetics
Classification: Likely benign for Inborn genetic diseases. Last evaluated: 2022-08-17. Review status: criteria provided, single submitter. Criteria: Ambry Variant Classification Scheme 2023. Collection method: clinical testing. Allele origin: germline.

Fulgent Genetics
Classification: Uncertain significance for Hereditary insensitivity to pain with anhidrosis. Last evaluated: 2021-11-05. Review status: criteria provided, single submitter. Criteria: ACMG Guidelines, 2015. Collection method: clinical testing. Allele origin: unknown.

Illumina Laboratory Services, Illumina
Classification: Uncertain significance for Hereditary insensitivity to pain with anhidrosis. Last evaluated: 2018-01-13. Review status: criteria provided, single submitter. Criteria: ICSL Variant Classification Criteria 13 December 2019. Collection method: clinical testing. Allele origin: germline.

Natera, Inc.
Classification: Uncertain significance for Hereditary insensitivity to pain with anhidrosis. Last evaluated: 2020-01-26. Review status: no assertion criteria provided. Collection method: clinical testing. Allele origin: germline. Not counted in ClinVar's aggregate classification.

NM_002529.4(NTRK1):c.640C>T (p.Arg214Trp)

Gene: NTRK1 (neurotrophic receptor tyrosine kinase 1; plus strand). Cytogenetic location: 1q23.1.
Variant type: single nucleotide variant.
Coding change: c.640C>T on transcript NM_002529.4 (MANE Select); coding-DNA position 640, C replaced by T.
Protein change: p.Arg214Trp; replaces arginine 214 with tryptophan.
Molecular consequence: missense variant.
Genome position (GRCh38, 1-based): chr1:156,868,570, C>T. VCF-style: chr1-156868570-C-T. GRCh37 (hg19) VCF-style: chr1-156838362-C-T.
Other names: p.Arg214Trp; c.640C>T (NM_002529.3); c.550C>T, p.Arg184Trp (NM_001007792.1); c.640C>T, p.Arg214Trp (NM_001012331.2); short protein forms R184W, R214W.
Identifiers: ClinVar variation 526731 (VCV000526731.17), dbSNP rs372041586, ClinGen allele CA1169062.